The following is an entry in ClinVar:

NM_002299.4(LCT):c.919G>A (p.Asp307Asn)

Genes: LCT (lactase; minus strand), LCT-AS1 (LCT antisense RNA 1; plus strand). Cytogenetic location: 2q21.3.
Variant type: single nucleotide variant.
Coding change: c.919G>A on transcript NM_002299.4 (MANE Select); coding-DNA position 919, G replaced by A.
Protein change: p.Asp307Asn; replaces aspartic acid 307 with asparagine.
Molecular consequence: missense variant. On other transcripts: non-coding transcript variant (1).
Genome position (GRCh38, 1-based): chr2:135,822,087, C>T on the plus strand (G>A on the coding strand, the complement: LCT is on the minus strand). VCF-style: chr2-135822087-C-T. GRCh37 (hg19) VCF-style: chr2-136579657-C-T.
Other names: c.919G>A (NM_002299.2); short protein forms D307N.
Identifiers: ClinVar variation 1373814 (VCV001373814.6), dbSNP rs768499058, ClinGen allele CA1888485.

ClinVar aggregate classification (germline): Uncertain significance. Review status: criteria provided, multiple submitters, no conflicts (2 of 4 stars). 2 submissions from 2 submitters: Uncertain significance (2). Last evaluated 2022-03-12.

Conditions:
Inborn genetic diseases. Identifiers: MedGen C0950123, MeSH D030342.

Allele frequency attached by ClinVar (database versions not stated): gnomAD exomes 0.00002 and 0.00004; ExAC 0.00003; gnomAD 0.00003 and 0.00004; TOPMed 0.00003.
gnomAD v4.1: 28 of 1,590,676 alleles (0.0018%); highest among the groups gnomAD compares: Admixed American, 0.032%; no homozygotes.

Submissions (2):

Labcorp Genetics (formerly Invitae), Labcorp
Classification: Uncertain significance. Last evaluated: 2022-03-12. Review status: criteria provided, single submitter. Criteria: Invitae Variant Classification Sherloc (09022015). Collection method: clinical testing. Allele origin: germline.
Comment: This sequence change replaces aspartic acid, which is acidic and polar, with asparagine, which is neutral and polar, at codon 307 of the LCT protein (p.Asp307Asn). This variant is present in population databases (rs768499058, gnomAD 0.01%). This variant has not been reported in the literature in individuals affected with LCT-related conditions. Algorithms developed to predict the effect of missense changes on protein structure and function output the following: SIFT: "Not Available"; PolyPhen-2: "Benign"; Align-GVGD: "Not Available". The asparagine amino acid residue is found in multiple mammalian species, which suggests that this missense change does not adversely affect protein function. In summary, the available evidence is currently insufficient to determine the role of this variant in disease. Therefore, it has been classified as a Variant of Uncertain Significance.

Ambry Genetics
Classification: Uncertain significance for Inborn genetic diseases. Last evaluated: 2021-06-22. Review status: criteria provided, single submitter. Criteria: Ambry Variant Classification Scheme 2023. Collection method: clinical testing. Allele origin: germline.